The following is an entry in ClinVar:

ClinVar aggregate classification (germline): Uncertain significance (1 of 4 stars; one submission).

Conditions:
Cardiovascular phenotype. Identifiers: MedGen CN230736.

Submission:

Molecular Diagnostic Laboratory for Inherited Cardiovascular Disease, Montreal Heart Institute
Classification: Uncertain significance for Cardiovascular phenotype. Last evaluated: 2026-09-21. Review status: criteria provided, single submitter. Criteria: ACMG Guidelines, 2015. Collection method: clinical testing. Allele origin: germline. Affected: yes.
Comment: PM2

NM_003238.6(TGFB2):c.421G>A (p.Ala141Thr)

Gene: TGFB2 (transforming growth factor beta 2; plus strand). Cytogenetic location: 1q41.
Variant type: single nucleotide variant.
Coding change: c.421G>A on transcript NM_003238.6 (MANE Select); coding-DNA position 421, G replaced by A.
Protein change: p.Ala141Thr; replaces alanine 141 with threonine.
Molecular consequence: missense variant. On other transcripts: non-coding transcript variant (2).
Genome position (GRCh38, 1-based): chr1:218,405,243, G>A. VCF-style: chr1-218405243-G-A. GRCh37 (hg19) VCF-style: chr1-218578585-G-A.
Other names: c.505G>A, p.Ala169Thr (NM_001135599.4); short protein forms A141T, A169T.
Identifiers: ClinVar variation 5037805 (VCV005037805.1).